The following is an entry in ClinVar:

NM_022788.5(P2RY12):c.893A>G (p.Tyr298Cys)

Genes: MED12L (mediator complex subunit 12L; plus strand), P2RY12 (purinergic receptor P2Y12; minus strand). Cytogenetic location: 3q25.1.
Variant type: single nucleotide variant.
Coding change: c.893A>G on transcript NM_022788.5 (MANE Select); coding-DNA position 893, A replaced by G.
Protein change: p.Tyr298Cys; replaces tyrosine 298 with cysteine.
Molecular consequence: missense variant. On other transcripts: intron variant (2).
Genome position (GRCh38, 1-based): chr3:151,337,953, T>C on the plus strand (A>G on the coding strand, the complement: P2RY12 is on the minus strand). VCF-style: chr3-151337953-T-C. GRCh37 (hg19) VCF-style: chr3-151055741-T-C.
Other names: c.893A>G, p.Tyr298Cys (NM_176876.3); c.2251-12106T>C (NM_001393769.1); c.2146-12106T>C (NM_053002.6); short protein forms Y298C.
Identifiers: ClinVar variation 2197706 (VCV002197706.5), dbSNP rs780595507, ClinGen allele CA2667781.

ClinVar aggregate classification (germline): Uncertain significance. Review status: criteria provided, multiple submitters, no conflicts (2 of 4 stars). 2 submissions from 2 submitters: Uncertain significance (2). Last evaluated 2025-02-16.

Allele frequency attached by ClinVar (database versions not stated): ExAC 0.00002; gnomAD exomes 0.00003; gnomAD 0.00005.
gnomAD v4.1: 54 of 1,613,912 alleles (0.0033%); highest among the groups gnomAD compares: Non-Finnish European, 0.0043%; no homozygotes.

Submissions (2):

Labcorp Genetics (formerly Invitae), Labcorp
Classification: Uncertain significance. Last evaluated: 2025-02-16. Review status: criteria provided, single submitter. Criteria: Invitae Variant Classification Sherloc (09022015). Collection method: clinical testing. Allele origin: germline.
Comment: This sequence change replaces tyrosine, which is neutral and polar, with cysteine, which is neutral and slightly polar, at codon 298 of the P2RY12 protein (p.Tyr298Cys). This variant is present in population databases (rs780595507, gnomAD 0.006%). This variant has not been reported in the literature in individuals affected with P2RY12-related conditions. ClinVar contains an entry for this variant (Variation ID: 2197706). An algorithm developed to predict the effect of missense changes on protein structure and function (PolyPhen-2) suggests that this variant is likely to be disruptive. In summary, the available evidence is currently insufficient to determine the role of this variant in disease. Therefore, it has been classified as a Variant of Uncertain Significance.

Ambry Genetics
Classification: Uncertain significance. Last evaluated: 2023-12-27. Review status: criteria provided, single submitter. Criteria: Ambry Variant Classification Scheme 2023. Collection method: clinical testing. Allele origin: germline.